The following is an entry in ClinVar:

NM_014641.3(MDC1):c.1A>T (p.Met1Leu)

Gene: MDC1 (mediator of DNA damage checkpoint 1; minus strand). Cytogenetic location: 6p21.33.
Variant type: single nucleotide variant.
Coding change: c.1A>T on transcript NM_014641.3 (MANE Select); coding-DNA position 1, A replaced by T.
Protein change: p.Met1Leu; changes the start codon (methionine 1).
Molecular consequence: missense variant, initiator codon variant.
Genome position (GRCh38, 1-based): chr6:30,715,175, T>A on the plus strand (A>T on the coding strand, the complement: MDC1 is on the minus strand). VCF-style: chr6-30715175-T-A. GRCh37 (hg19) VCF-style: chr6-30682952-T-A.
Other names: short protein forms M1L.
Identifiers: ClinVar variation 3901151 (VCV003901151.1).

ClinVar aggregate classification (germline): Pathogenic (1 of 4 stars; one submission).

Conditions:
Oligoasthenoteratozoospermia. Identifiers: MedGen CN372097, MONDO:0850098.

Submission:

Fuxi Zhu Research Group, Second Affiliated Hospital of Anhui Medical University
Classification: Pathogenic for Oligoasthenoteratozoospermia. Review status: criteria provided, single submitter. Criteria: ACMG Guidelines, 2015. Collection method: research. Allele origin: maternal. Affected: yes.
Comment: The variant (NM_014641.3:c.A1T; p.M1L) results in an amino acid substitution, generating a truncated protein. Since the mutation is located at the start codon and is a nonsense mutation, it directly affects protein translation. This variant impairs the DNA damage repair function of MDC1(PMID: 16377563). Analysis of population databases (1000 Genomes, gnomAD, ExAC) indicates that this variant is extremely rare or absent in the general population (PM2). Computational predictions (SIFT, PolyPhen-2, MutationTaster) suggest a pathogenic effect (PP3). Based on ACMG/AMP criteria, this variant meets the requirements for classification as pathogenic.

Literature cited by the submitters: PubMed 16377563.